The following is an entry in ClinVar:

ClinVar aggregate classification (germline): Uncertain significance (1 of 4 stars; one submission).

Allele frequency attached by ClinVar (database versions not stated): gnomAD exomes below 0.00001.
gnomAD v4.1: 1 of 1,613,554 alleles (0.000062%); highest among the groups gnomAD compares: Non-Finnish European, 0.000085%; no homozygotes.

Submission:

GeneDx
Classification: Uncertain significance. Last evaluated: 2020-02-05. Review status: criteria provided, single submitter. Criteria: GeneDx Variant Classification Process June 2021. Collection method: clinical testing. Allele origin: germline. Affected: yes.
Comment: Not observed in large population cohorts (Lek et al., 2016); In silico analysis supports that this missense variant has a deleterious effect on protein structure/function; Has not been previously published as pathogenic or benign to our knowledge

NM_000260.4(MYO7A):c.5692A>C (p.Lys1898Gln)

Gene: MYO7A (myosin VIIA; plus strand). Cytogenetic location: 11q13.5.
Variant type: single nucleotide variant.
Coding change: c.5692A>C on transcript NM_000260.4 (MANE Select); coding-DNA position 5692, A replaced by C.
Protein change: p.Lys1898Gln; replaces lysine 1898 with glutamine.
Molecular consequence: missense variant.
Genome position (GRCh38, 1-based): chr11:77,206,152, A>C. VCF-style: chr11-77206152-A-C. GRCh37 (hg19) VCF-style: chr11-76917197-A-C.
Other names: c.5578A>C, p.Lys1860Gln (NM_001127180.2); c.5545A>C, p.Lys1849Gln (NM_001369365.1); short protein forms K1849Q, K1860Q, K1898Q.
Identifiers: ClinVar variation 1315222 (VCV001315222.2), dbSNP rs1957433793, ClinGen allele CA381953278.